The following is an entry in ClinVar:

ClinVar aggregate classification (germline): Conflicting classifications of pathogenicity. Review status: criteria provided, conflicting classifications (1 of 4 stars). 3 submissions from 3 submitters: Uncertain significance (2); Likely benign (1). Last evaluated 2026-01-20.

Conditions:
KIDINS220-related disorder. Also called: KIDINS220-related condition.
Inborn genetic diseases. Identifiers: MedGen C0950123, MeSH D030342.

Allele frequency attached by ClinVar (database versions not stated): ExAC 0.00007; gnomAD 0.00017.

Submissions (3):

PreventionGenetics, part of Exact Sciences
Classification: Uncertain significance for KIDINS220-related condition. Last evaluated: 2026-01-20. Review status: criteria provided, single submitter. Criteria: ACMG Guidelines, 2015. Collection method: clinical testing. Allele origin: germline.
Comment: The KIDINS220 c.3904G>A variant is predicted to result in the amino acid substitution p.Gly1302Ser. To our knowledge, this variant has not been reported in the literature. This variant is reported in 0.045% of alleles in individuals of African descent in gnomAD. Although we suspect that this variant may be benign, at this time, the clinical significance of this variant is uncertain due to the absence of conclusive functional and genetic evidence.

Labcorp Genetics (formerly Invitae), Labcorp
Classification: Uncertain significance. Last evaluated: 2026-01-07. Review status: criteria provided, single submitter. Criteria: Invitae Variant Classification Sherloc (09022015). Collection method: clinical testing. Allele origin: germline.
Comment: This sequence change replaces glycine, which is neutral and non-polar, with serine, which is neutral and polar, at codon 1302 of the KIDINS220 protein (p.Gly1302Ser). This variant is present in population databases (rs538261513, gnomAD 0.05%). This variant has not been reported in the literature in individuals affected with KIDINS220-related conditions. ClinVar contains an entry for this variant (Variation ID: 2371476). An algorithm developed to predict the effect of missense changes on protein structure and function outputs the following: PolyPhen-2: "Benign". The serine amino acid residue is found in multiple mammalian species, which suggests that this missense change does not adversely affect protein function. In summary, the available evidence is currently insufficient to determine the role of this variant in disease. Therefore, it has been classified as a Variant of Uncertain Significance.

Ambry Genetics
Classification: Likely benign for Inborn genetic diseases. Last evaluated: 2021-07-14. Review status: criteria provided, single submitter. Criteria: Ambry Variant Classification Scheme 2023. Collection method: clinical testing. Allele origin: germline.

NM_020738.4(KIDINS220):c.3904G>A (p.Gly1302Ser)

Gene: KIDINS220 (kinase D interacting substrate 220; minus strand). Cytogenetic location: 2p25.1.
Variant type: single nucleotide variant.
Coding change: c.3904G>A on transcript NM_020738.4 (MANE Select); coding-DNA position 3904, G replaced by A.
Protein change: p.Gly1302Ser; replaces glycine 1302 with serine.
Molecular consequence: missense variant. On other transcripts: non-coding transcript variant (2).
Genome position (GRCh38, 1-based): chr2:8,733,593, C>T on the plus strand (G>A on the coding strand, the complement: KIDINS220 is on the minus strand). VCF-style: chr2-8733593-C-T. GRCh37 (hg19) VCF-style: chr2-8873723-C-T.
Other names: c.3907G>A, p.Gly1303Ser (NM_001348729.2); c.3850G>A, p.Gly1284Ser (NM_001348731.2); c.3847G>A, p.Gly1283Ser (NM_001348732.2, NM_001348738.2); c.3736G>A, p.Gly1246Ser (NM_001348734.2, NM_001348739.2, NM_001348740.2); c.3733G>A, p.Gly1245Ser (NM_001348735.2, NM_001348741.2, NM_001348742.2 and 1 more transcripts); c.3607G>A, p.Gly1203Ser (NM_001348736.2); c.3904G>A (NM_020738.2); short protein forms G1203S, G1245S, G1246S, G1283S, G1284S, G1302S, G1303S.
Identifiers: ClinVar variation 2371476 (VCV002371476.11), dbSNP rs538261513, ClinGen allele CA1519482.